The following is an entry in ClinVar:

ClinVar aggregate classification (germline): Benign (1 of 4 stars; one submission).

Allele frequency attached by ClinVar (database versions not stated): TOPMed 0.54666; gnomAD 0.55034 and 0.54232; 1000 Genomes Project 0.50379; 1000 Genomes Project 30x 0.50859.
gnomAD v4.1: 82,373 of 151,996 alleles (54%); highest among the groups gnomAD compares: African/African-American, 69%; 23,099 homozygotes.

Submission:

GeneDx
Classification: Benign. Last evaluated: 2018-06-14. Review status: criteria provided, single submitter. Criteria: GeneDx Variant Classification (06012015). Collection method: clinical testing. Allele origin: germline. Affected: yes.
Comment: This variant is considered likely benign or benign based on one or more of the following criteria: it is a conservative change, it occurs at a poorly conserved position in the protein, it is predicted to be benign by multiple in silico algorithms, and/or has population frequency not consistent with disease.

NM_004415.4(DSP):c.940-224T>C

Gene: DSP (desmoplakin; plus strand). Cytogenetic location: 6p24.3.
Variant type: single nucleotide variant.
Coding change: c.940-224T>C on transcript NM_004415.4 (MANE Select); 224 bases into the intron before coding-DNA position 940, T replaced by C.
Molecular consequence: intron variant.
Genome position (GRCh38, 1-based): chr6:7,566,153, T>C. VCF-style: chr6-7566153-T-C. GRCh37 (hg19) VCF-style: chr6-7566386-T-C.
Other names: c.940-224T>C (NM_001319034.2, NM_001008844.3).
Identifiers: ClinVar variation 678481 (VCV000678481.1), dbSNP rs2842683, ClinGen allele CA12261386.